The following is an entry in ClinVar:

ClinVar aggregate classification (germline): Uncertain significance (1 of 4 stars; one submission).

Submission:

CeGaT Center for Human Genetics Tuebingen
Classification: Uncertain significance. Last evaluated: 2024-07-01. Review status: criteria provided, single submitter. Criteria: CeGaT Center For Human Genetics Tuebingen Variant Classification Criteria Version 2. Collection method: clinical testing. Allele origin: germline. Affected: yes. Observed: 1 variant allele.
Comment: PHEX: PM1, PM2, PP4

NM_000444.6(PHEX):c.1625G>A (p.Ser542Asn)

Gene: PHEX (phosphate regulating endopeptidase X-linked; plus strand). Cytogenetic location: Xp22.11.
Variant type: single nucleotide variant.
Coding change: c.1625G>A on transcript NM_000444.6 (MANE Select); coding-DNA position 1625, G replaced by A.
Protein change: p.Ser542Asn; replaces serine 542 with asparagine.
Molecular consequence: missense variant.
Genome position (GRCh38, 1-based): chrX:22,190,482, G>A. VCF-style: chrX-22190482-G-A. GRCh37 (hg19) VCF-style: chrX-22208599-G-A.
Other names: c.1625G>A, p.Ser542Asn (NM_001282754.2); short protein forms S542N.
Identifiers: ClinVar variation 3771950 (VCV003771950.13).